The following is an entry in ClinVar:

ClinVar aggregate classification (germline): Pathogenic (1 of 4 stars; one submission).

Conditions:
Angelman syndrome-like. Identifiers: MedGen CN128785.
Developmental and epileptic encephalopathy, 2 (DEE2). Also called: INFANTILE SPASM SYNDROME, X-LINKED 2; CDKL5 deficiency disorder. Identifiers: Orphanet 1934, Orphanet 3451, Orphanet 505652, MedGen C4750718, MONDO:0010396, OMIM 300672.

Submission:

Labcorp Genetics (formerly Invitae), Labcorp
Classification: Pathogenic for Developmental and epileptic encephalopathy, 2; Angelman syndrome-like. Last evaluated: 2023-12-11. Review status: criteria provided, single submitter. Criteria: Invitae Variant Classification Sherloc (09022015). Collection method: clinical testing. Allele origin: unknown.
Comment: This variant is a gross deletion of the genomic region encompassing exon(s) 4-6 of the CDKL5 gene. This deletion is out-of-frame, and is expected to create a premature termination codon and result in an absent or disrupted protein product. Loss-of-function variants in CDKL5 are known to be pathogenic (PMID: 22872100). This variant has not been reported in the literature in individuals affected with CDKL5-related conditions. For these reasons, this variant has been classified as Pathogenic.

Literature cited by the submitters: PubMed 22872100.

NC_000023.10:g.(?_18582577)_(18598108_?)del

Gene: CDKL5 (cyclin dependent kinase like 5; plus strand). Cytogenetic location: Xp22.13.
Variant type: Deletion.
Identifiers: ClinVar variation 3244293 (VCV003244293.1).